The following is an entry in ClinVar:

ClinVar aggregate classification (germline): Uncertain significance. Review status: criteria provided, multiple submitters, no conflicts (2 of 4 stars). 2 submissions from 2 submitters: Uncertain significance (2). Last evaluated 2025-08-13.

Conditions:
Atrioventricular septal defect 5 (AVSD5). Identifiers: MedGen C3280939, MONDO:0013769, OMIM 614474.
Inborn genetic diseases. Identifiers: MedGen C0950123, MeSH D030342.

gnomAD v4.1: 3 of 1,532,930 alleles (0.0002%); no homozygotes.

Submissions (2):

Ambry Genetics
Classification: Uncertain significance for Inborn genetic diseases. Last evaluated: 2025-08-13. Review status: criteria provided, single submitter. Criteria: Ambry Variant Classification Scheme 2023. Collection method: clinical testing. Allele origin: germline.

Labcorp Genetics (formerly Invitae), Labcorp
Classification: Uncertain significance for Atrioventricular septal defect 5. Last evaluated: 2025-06-18. Review status: criteria provided, single submitter. Criteria: Invitae Variant Classification Sherloc (09022015). Collection method: clinical testing. Allele origin: germline.
Comment: This sequence change replaces threonine, which is neutral and polar, with proline, which is neutral and non-polar, at codon 356 of the GATA6 protein (p.Thr356Pro). This variant is present in population databases (no rsID available, gnomAD 0.01%). This variant has not been reported in the literature in individuals affected with GATA6-related conditions. ClinVar contains an entry for this variant (Variation ID: 2168191). Invitae Evidence Modeling of protein sequence and biophysical properties (such as structural, functional, and spatial information, amino acid conservation, physicochemical variation, residue mobility, and thermodynamic stability) indicates that this missense variant is not expected to disrupt GATA6 protein function with a negative predictive value of 80%. In summary, the available evidence is currently insufficient to determine the role of this variant in disease. Therefore, it has been classified as a Variant of Uncertain Significance.

NM_005257.6(GATA6):c.1066A>C (p.Thr356Pro)

Gene: GATA6 (GATA binding protein 6; plus strand). Cytogenetic location: 18q11.2.
Variant type: single nucleotide variant.
Coding change: c.1066A>C on transcript NM_005257.6 (MANE Select); coding-DNA position 1066, A replaced by C.
Protein change: p.Thr356Pro; replaces threonine 356 with proline.
Molecular consequence: missense variant.
Genome position (GRCh38, 1-based): chr18:22,172,210, A>C. VCF-style: chr18-22172210-A-C. GRCh37 (hg19) VCF-style: chr18-19752171-A-C.
Other names: c.1066A>C (NM_005257.3); short protein forms T356P.
Identifiers: ClinVar variation 2168191 (VCV002168191.5), dbSNP rs1442097097, ClinGen allele CA401801735.